The following is an entry in ClinVar:

NM_182914.3(SYNE2):c.13609T>C (p.Phe4537Leu)

Gene: SYNE2 (spectrin repeat containing nuclear envelope protein 2; plus strand). Cytogenetic location: 14q23.2.
Variant type: single nucleotide variant.
Coding change: c.13609T>C on transcript NM_182914.3 (MANE Select); coding-DNA position 13609, T replaced by C.
Protein change: p.Phe4537Leu; replaces phenylalanine 4537 with leucine.
Molecular consequence: missense variant.
Genome position (GRCh38, 1-based): chr14:64,126,381, T>C. VCF-style: chr14-64126381-T-C. GRCh37 (hg19) VCF-style: chr14-64593099-T-C.
Other names: c.13609T>C, p.Phe4537Leu (NM_015180.6); short protein forms F4537L.
Identifiers: ClinVar variation 3648155 (VCV003648155.2).
Genomic context (GRCh38, chr14:64,126,381, plus strand): 5'-ATTCAGGAAAATATGACAGAAGAAGCATATATCAATTTGGATAAAAAATTGTTTGAACTA[T>C]TCCTGACCCTCAGTCAGTGCCTCAGCAGTGTGGAGGAGATGCTGGAGATGCCCAGACTTT-3'
Protein context (NP_878918.2, residues 4527-4547): INLDKKLFEL[Phe4537Leu]LTLSQCLSSV

ClinVar aggregate classification (germline): Uncertain significance (1 of 4 stars; one submission).

Conditions:
Emery-Dreifuss muscular dystrophy 5, autosomal dominant (EDMD5). Also called: EMERY-DREIFUSS MUSCULAR DYSTROPHY 5. Identifiers: Orphanet 261, MedGen C2751805, MONDO:0013072, OMIM 612999.

Submission:

Labcorp Genetics (formerly Invitae), Labcorp
Classification: Uncertain significance for Emery-Dreifuss muscular dystrophy 5, autosomal dominant. Last evaluated: 2024-03-29. Review status: criteria provided, single submitter. Criteria: Invitae Variant Classification Sherloc (09022015). Collection method: clinical testing. Allele origin: germline.
Comment: This sequence change replaces phenylalanine, which is neutral and non-polar, with leucine, which is neutral and non-polar, at codon 4537 of the SYNE2 protein (p.Phe4537Leu). This variant is not present in population databases (gnomAD no frequency). This variant has not been reported in the literature in individuals affected with SYNE2-related conditions. Algorithms developed to predict the effect of missense changes on protein structure and function output the following: SIFT: "Not Available"; PolyPhen-2: "Benign"; Align-GVGD: "Not Available". The leucine amino acid residue is found in multiple mammalian species, which suggests that this missense change does not adversely affect protein function. In summary, the available evidence is currently insufficient to determine the role of this variant in disease. Therefore, it has been classified as a Variant of Uncertain Significance.